The following is an entry in ClinVar:

NM_004960.4(FUS):c.1572G>C (p.Arg524Ser)

Gene: FUS (FUS RNA binding protein; plus strand). Cytogenetic location: 16p11.2.
Variant type: single nucleotide variant.
Coding change: c.1572G>C on transcript NM_004960.4 (MANE Select); coding-DNA position 1572, G replaced by C.
Protein change: p.Arg524Ser; replaces arginine 524 with serine.
Molecular consequence: missense variant. On other transcripts: non-coding transcript variant (1).
Genome position (GRCh38, 1-based): chr16:31,191,429, G>C. VCF-style: chr16-31191429-G-C. GRCh37 (hg19) VCF-style: chr16-31202750-G-C.
Other names: c.1569G>C, p.Arg523Ser (NM_001170634.1); c.1560G>C, p.Arg520Ser (NM_001170937.1); short protein forms R524S, R520S, R523S.
Identifiers: ClinVar variation 280109 (VCV000280109.2), dbSNP rs886041389, ClinGen allele CA10603322.

ClinVar aggregate classification (germline): Pathogenic (1 of 4 stars; one submission).

Submission:

GeneDx
Classification: Pathogenic. Last evaluated: 2016-08-31. Review status: criteria provided, single submitter. Criteria: GeneDx Variant Classification (06012015). Collection method: clinical testing. Allele origin: germline. Affected: yes.
Comment: The R524S pathogenic variant in the FUS gene has been reported previously in association with amyotrophic lateral sclerosis (Yan et al., 2010; Kwiatkowski et al., 2009). This variant was not observed in approximately 6500 individuals of European and African American ancestry in the NHLBI Exome Sequencing Project, indicating it is not a common benign variant in these populations. The R524S variant is a semi-conservative amino acid substitution, which occurs at a position that is conserved across species. Functional studies demonstrate that the R524S variant disrupts binding of the FUS protein to its nuclear import receptor (Dormann et al., 2010; Zhang et al., 2012). Missense variants in the same residue (R524W, R524T) and nearby residues (R521C, R521S, R521G, R521L, R521H, R522G, P525L, Y526C) have been reported in the Human Gene Mutation Database in association with amyotrophic lateral sclerosis (Stenson et al., 2014), supporting the functional importance of this region of the protein. We interpret R524S as a pathogenic variant.